The following is an entry in ClinVar:

NM_001376.5(DYNC1H1):c.6052A>G (p.Met2018Val)

Gene: DYNC1H1 (dynein cytoplasmic 1 heavy chain 1; plus strand). Cytogenetic location: 14q32.31.
Variant type: single nucleotide variant.
Coding change: c.6052A>G on transcript NM_001376.5 (MANE Select); coding-DNA position 6052, A replaced by G.
Protein change: p.Met2018Val; replaces methionine 2018 with valine.
Molecular consequence: missense variant.
Genome position (GRCh38, 1-based): chr14:102,009,917, A>G. VCF-style: chr14-102009917-A-G. GRCh37 (hg19) VCF-style: chr14-102476254-A-G.
Other names: short protein forms M2018V.
Identifiers: ClinVar variation 3636150 (VCV003636150.2).
Genomic context (GRCh38, chr14:102,009,917, plus strand): 5'-ACTTGTGAGCTGCTGAACAAACAAGTCAAGGTGAGCCCGGACATGGCCATCTTCATCACC[A>G]TGAACCCTGGCTACGCGGGCCGGTCTAACCTTCCTGACAACTTGAAGAAGCTGTTCCGGA-3'
Protein context (NP_001367.2, residues 2008-2028): VSPDMAIFIT[Met2018Val]NPGYAGRSNL

ClinVar aggregate classification (germline): Uncertain significance (1 of 4 stars; one submission).

Conditions:
Charcot-Marie-Tooth disease axonal type 2O. Also called: Charcot-Marie-Tooth disease, axonal, type 20; CHARCOT-MARIE-TOOTH NEUROPATHY, AXONAL, TYPE 2O; CHARCOT-MARIE-TOOTH DISEASE, AXONAL, AUTOSOMAL DOMINANT, TYPE 2O; Charcot-Marie-Tooth Neuropathy Type 2O. Identifiers: Orphanet 284232, MedGen C3280220, MONDO:0013644, OMIM 614228.

Submission:

Labcorp Genetics (formerly Invitae), Labcorp
Classification: Uncertain significance for Charcot-Marie-Tooth disease axonal type 2O. Last evaluated: 2024-05-10. Review status: criteria provided, single submitter. Criteria: Invitae Variant Classification Sherloc (09022015). Collection method: clinical testing. Allele origin: germline.
Comment: This sequence change replaces methionine, which is neutral and non-polar, with valine, which is neutral and non-polar, at codon 2018 of the DYNC1H1 protein (p.Met2018Val). This variant is not present in population databases (gnomAD no frequency). This variant has not been reported in the literature in individuals affected with DYNC1H1-related conditions. Advanced modeling of protein sequence and biophysical properties (such as structural, functional, and spatial information, amino acid conservation, physicochemical variation, residue mobility, and thermodynamic stability) performed at Invitae indicates that this missense variant is expected to disrupt DYNC1H1 protein function with a positive predictive value of 95%. In summary, the available evidence is currently insufficient to determine the role of this variant in disease. Therefore, it has been classified as a Variant of Uncertain Significance.